The following is an entry in ClinVar:

ClinVar aggregate classification (germline): Likely benign. Review status: criteria provided, multiple submitters, no conflicts (2 of 4 stars). 2 submissions from 2 submitters: Likely benign (2). Last evaluated 2023-04-11.

Allele frequency attached by ClinVar (database versions not stated): TOPMed 0.00002; gnomAD 0.00003; ExAC 0.00005.

Submissions (2):

Blueprint Genetics
Classification: Likely benign. Last evaluated: 2023-04-11. Review status: criteria provided, single submitter. Criteria: ACMG Guidelines, 2015. Collection method: clinical testing. Allele origin: germline.

CeGaT Center for Human Genetics Tuebingen
Classification: Likely benign. Last evaluated: 2023-03-01. Review status: criteria provided, single submitter. Criteria: CeGaT Center For Human Genetics Tuebingen Variant Classification Criteria Version 2. Collection method: clinical testing. Allele origin: germline. Affected: yes. Observed: 1 variant allele.
Comment: GATB: BP4, BP7

NM_004564.3(GATB):c.1038G>C (p.Leu346=)

Gene: GATB (glutamyl-tRNA amidotransferase subunit B; minus strand). Cytogenetic location: 4q31.3.
Variant type: single nucleotide variant.
Coding change: c.1038G>C on transcript NM_004564.3 (MANE Select); coding-DNA position 1038, G replaced by C.
Protein change: p.Leu346=; no amino-acid change (leucine 346 retained).
Molecular consequence: synonymous variant.
Genome position (GRCh38, 1-based): chr4:151,701,488, C>G on the plus strand (G>C on the coding strand, the complement: GATB is on the minus strand). VCF-style: chr4-151701488-C-G. GRCh37 (hg19) VCF-style: chr4-152622640-C-G.
Other names: c.1038G>C, p.Leu346= (NM_001363341.2).
Identifiers: ClinVar variation 2498962 (VCV002498962.29), dbSNP rs752997058, ClinGen allele CA3105717.